The following is an entry in ClinVar:

ClinVar aggregate classification (germline): Uncertain significance (1 of 4 stars; one submission).

gnomAD v4.1: 9 of 1,601,440 alleles (0.00056%); highest among the groups gnomAD compares: African/African-American, 0.011%; no homozygotes.

Submission:

GeneDx
Classification: Uncertain significance. Last evaluated: 2024-12-11. Review status: criteria provided, single submitter. Criteria: GeneDx Variant Classification Process June 2021. Collection method: clinical testing. Allele origin: germline. Affected: yes.
Comment: In silico analysis indicates that this missense variant does not alter protein structure/function; Has not been previously published as pathogenic or benign to our knowledge

NM_022167.4(XYLT2):c.350C>T (p.Ala117Val)

Gene: XYLT2 (xylosyltransferase 2; plus strand). Cytogenetic location: 17q21.33.
Variant type: single nucleotide variant.
Coding change: c.350C>T on transcript NM_022167.4 (MANE Select); coding-DNA position 350, C replaced by T.
Protein change: p.Ala117Val; replaces alanine 117 with valine.
Molecular consequence: missense variant.
Genome position (GRCh38, 1-based): chr17:50,353,844, C>T. VCF-style: chr17-50353844-C-T. GRCh37 (hg19) VCF-style: chr17-48431205-C-T.
Other names: short protein forms A117V.
Identifiers: ClinVar variation 3902874 (VCV003902874.1).